The following is an entry in ClinVar:

NM_014855.3(AP5Z1):c.*1670G>C

Gene: AP5Z1 (adaptor related protein complex 5 subunit zeta 1; plus strand). Cytogenetic location: 7p22.1.
Variant type: single nucleotide variant.
Coding change: c.*1670G>C on transcript NM_014855.3 (MANE Select); 1670 bases downstream of the stop codon, G replaced by C.
Molecular consequence: 3 prime UTR variant. On other transcripts: non-coding transcript variant (1).
Genome position (GRCh38, 1-based): chr7:4,793,055, G>C. VCF-style: chr7-4793055-G-C. GRCh37 (hg19) VCF-style: chr7-4832686-G-C.
Other names: c.*1670G>C (LRG_1247t1, NM_001364858.1).
Identifiers: ClinVar variation 360387 (VCV000360387.32), dbSNP rs149234202, ClinGen allele CA10629308.

ClinVar aggregate classification (germline): Conflicting classifications of pathogenicity. Review status: criteria provided, conflicting classifications (1 of 4 stars). 2 submissions from 2 submitters: Uncertain significance (1); Benign (1). Last evaluated 2023-05-01.

Conditions:
Hereditary spastic paraplegia 48. Also called: Spastic paraplegia 48; SPASTIC PARAPLEGIA 48, AUTOSOMAL RECESSIVE. Identifiers: Orphanet 306511, MedGen C3150901, MONDO:0013342, OMIM 613647.

Allele frequency attached by ClinVar (database versions not stated): 1000 Genomes Project 30x 0.00203; 1000 Genomes Project 0.00220; gnomAD exomes 0.00403; TOPMed 0.00637; gnomAD 0.00678 and 0.00696.
gnomAD v4.1: 1,044 of 152,636 alleles (0.68%); highest among the groups gnomAD compares: Middle Eastern, 1.4%; 8 homozygotes.

Submissions (2):

CeGaT Center for Human Genetics Tuebingen
Classification: Benign. Last evaluated: 2023-05-01. Review status: criteria provided, single submitter. Criteria: CeGaT Center For Human Genetics Tuebingen Variant Classification Criteria Version 2. Collection method: clinical testing. Allele origin: germline. Affected: yes. Observed: 2 variant alleles.
Comment: AP5Z1: BS1, BS2

Illumina Laboratory Services, Illumina
Classification: Uncertain significance for Hereditary spastic paraplegia 48. Last evaluated: 2018-01-13. Review status: criteria provided, single submitter. Criteria: ICSL Variant Classification Criteria 13 December 2019. Collection method: clinical testing. Allele origin: germline.